The following is an entry in ClinVar:

ClinVar aggregate classification (germline): Pathogenic/Likely pathogenic. Review status: criteria provided, multiple submitters, no conflicts (2 of 4 stars). 4 submissions from 4 submitters: Pathogenic (3); Likely pathogenic (1). Last evaluated 2024-07-09.

Conditions:
Familial cancer of breast. Also called: hereditary breast carcinoma; Hereditary breast cancer; BREAST CANCER, FAMILIAL. Identifiers: Orphanet 227535, MedGen C0346153, MONDO:0016419, OMIM 114480. Disease mechanism: loss of function.
Hereditary cancer-predisposing syndrome. Also called: Hereditary neoplastic syndrome; Neoplastic Syndromes, Hereditary; Tumor predisposition; Hereditary Cancer Syndrome. Identifiers: Orphanet 140162, MedGen C0027672, MeSH D009386, MONDO:0015356.
PALB2-related cancer predisposition. Identifiers: MedGen CN377761, MONDO:0700272.

Submissions (4):

Ambry Genetics
Classification: Pathogenic for Hereditary cancer-predisposing syndrome. Last evaluated: 2024-07-09. Review status: criteria provided, single submitter. Criteria: Ambry Variant Classification Scheme 2023. Collection method: clinical testing. Allele origin: germline.
Comment: The c.3008dupA pathogenic mutation, located in coding exon 10 of the PALB2 gene, results from a duplication of A at nucleotide position 3008, causing a translational frameshift with a predicted alternate stop codon (p.N1003Kfs*8). This variant is considered to be rare based on population cohorts in the Genome Aggregation Database (gnomAD). This alteration is expected to result in loss of function by premature protein truncation or nonsense-mediated mRNA decay. As such, this alteration is interpreted as a disease-causing mutation.

Institute for Genomic Medicine (IGM) Clinical Laboratory, Nationwide Children's Hospital
Classification: Likely pathogenic for PALB2-related cancer predisposition. Last evaluated: 2024-04-12. Review status: criteria provided, single submitter. Criteria: ACMG Guidelines, 2015. Collection method: clinical testing. Allele origin: germline.
Comment: This variant is predicted to result in loss of function through nonsense-mediated decay of the encoded transcript or premature truncation of the encoded protein in a gene in which loss of function is a known mechanism of disease (ACMG/AMP: PVS1; PMIDs:24136930, 25099575). This variant is absent from or present at an exceedingly low frequency in gnomAD, a large-scale control population database (ACMG/AMP: PM2).

Myriad Genetics, Inc.
Classification: Pathogenic for Familial cancer of breast. Last evaluated: 2023-09-14. Review status: criteria provided, single submitter. Criteria: Myriad Autosomal Dominant, Autosomal Recessive and X-Linked Classification Criteria (2023). Collection method: clinical testing. Allele origin: unknown.
Comment: This variant is considered pathogenic. This variant creates a frameshift predicted to result in premature protein truncation.

Labcorp Genetics (formerly Invitae), Labcorp
Classification: Pathogenic for Familial cancer of breast. Last evaluated: 2018-03-03. Review status: criteria provided, single submitter. Criteria: Invitae Variant Classification Sherloc (09022015). Collection method: clinical testing. Allele origin: germline.
Comment: For these reasons, this variant has been classified as Pathogenic. Loss-of-function variants in PALB2 are known to be pathogenic (PMID: 17200668, 24136930, 25099575). This variant has not been reported in the literature in individuals with PALB2-related disease. This variant is not present in population databases (ExAC no frequency). This sequence change creates a premature translational stop signal (p.Asn1003Lysfs*8) in the PALB2 gene. It is expected to result in an absent or disrupted protein product.

Literature cited by the submitters: PubMed 24136930 (cited by Institute for Genomic Medicine (IGM) Clinical Laboratory, Nationwide Children's Hospital and Labcorp Genetics (formerly Invitae), Labcorp); PubMed 25099575 (cited by Institute for Genomic Medicine (IGM) Clinical Laboratory, Nationwide Children's Hospital and Labcorp Genetics (formerly Invitae), Labcorp); PubMed 17200668 (cited by Labcorp Genetics (formerly Invitae), Labcorp).

NM_024675.4(PALB2):c.3008dup (p.Asn1003fs)

Gene: PALB2 (partner and localizer of BRCA2; minus strand). Cytogenetic location: 16p12.2.
Variant type: Duplication.
Coding change: c.3008dup on transcript NM_024675.4 (MANE Select); coding-DNA position 3008, one base duplicated (A; older notation c.3008dupA).
Protein change: p.Asn1003fs; shifts the reading frame from asparagine 1003.
Molecular consequence: frameshift variant.
Genome position (GRCh38, 1-based): chr16:23,621,467, T duplicated on the plus strand (A on the coding strand, the reverse complement: PALB2 is on the minus strand); the first of 4 consecutive T bases (chr16:23,621,467-23,621,470); duplicating any one gives the same sequence. VCF-style (leftmost placement, unchanged base first): chr16-23621466-G-GT. GRCh37 (hg19) VCF-style: chr16-23632787-G-GT.
Other names: c.3008dupA (NM_024675.3); short protein forms N1003fs.
Identifiers: ClinVar variation 565404 (VCV000565404.9), dbSNP rs1567213009, ClinGen allele CA891844512.